The following is an entry in ClinVar:

ClinVar aggregate classification (germline): Uncertain significance (1 of 4 stars; one submission).

gnomAD v4.1: 25 of 1,613,902 alleles (0.0015%); highest among the groups gnomAD compares: African/African-American, 0.015%; no homozygotes.

Submission:

Labcorp Genetics (formerly Invitae), Labcorp
Classification: Uncertain significance. Last evaluated: 2025-11-04. Review status: criteria provided, single submitter. Criteria: Invitae Variant Classification Sherloc (09022015). Collection method: clinical testing. Allele origin: germline.
Comment: This sequence change replaces proline, which is neutral and non-polar, with leucine, which is neutral and non-polar, at codon 515 of the FAM65B protein (p.Pro515Leu). The frequency data for this variant in the population databases is considered unreliable, as metrics indicate poor data quality at this position in the gnomAD database. This variant has not been reported in the literature in individuals affected with FAM65B-related conditions. An algorithm developed to predict the effect of missense changes on protein structure and function (PolyPhen-2) suggests that this variant is likely to be tolerated. In summary, the available evidence is currently insufficient to determine the role of this variant in disease. Therefore, it has been classified as a Variant of Uncertain Significance.

NM_001286445.3(RIPOR2):c.1481C>T (p.Pro494Leu)

Gene: RIPOR2 (RHO family interacting cell polarization regulator 2; minus strand). Cytogenetic location: 6p22.3.
Variant type: single nucleotide variant.
Coding change: c.1481C>T on transcript NM_001286445.3 (MANE Select); coding-DNA position 1481, C replaced by T.
Protein change: p.Pro494Leu; replaces proline 494 with leucine.
Molecular consequence: missense variant.
Genome position (GRCh38, 1-based): chr6:24,843,238, G>A on the plus strand (C>T on the coding strand, the complement: RIPOR2 is on the minus strand). VCF-style: chr6-24843238-G-A. GRCh37 (hg19) VCF-style: chr6-24843466-G-A.
Other names: c.1496C>T, p.Pro499Leu (NM_001286446.3); c.1394C>T, p.Pro465Leu (NM_001286447.2, NM_001346031.2, NM_001346032.2 and 1 more transcripts); c.1544C>T, p.Pro515Leu (NM_014722.5); short protein forms P494L, P465L, P515L, P499L.
Identifiers: ClinVar variation 4753928 (VCV004753928.1).